The following is an entry in ClinVar:

ClinVar aggregate classification (germline): Likely benign (1 of 4 stars; one submission).

Allele frequency attached by ClinVar (database versions not stated): gnomAD exomes below 0.00001 and 0.00001; gnomAD 0.00001 and 0.00002; TOPMed 0.00001; 1000 Genomes Project 0.00020; 1000 Genomes Project 30x 0.00031.

Submission:

CeGaT Center for Human Genetics Tuebingen
Classification: Likely benign. Last evaluated: 2022-06-01. Review status: criteria provided, single submitter. Criteria: CeGaT Center For Human Genetics Tuebingen Variant Classification Criteria Version 2. Collection method: clinical testing. Allele origin: germline. Affected: yes. Observed: 1 variant allele.
Comment: GTPBP2: BP4, BP7

NM_019096.5(GTPBP2):c.93C>T (p.Gly31=)

Gene: GTPBP2 (GTP binding protein 2; minus strand). Cytogenetic location: 6p21.1.
Variant type: single nucleotide variant.
Coding change: c.93C>T on transcript NM_019096.5 (MANE Select); coding-DNA position 93, C replaced by T.
Protein change: p.Gly31=; no amino-acid change (glycine 31 retained).
Molecular consequence: synonymous variant.
Genome position (GRCh38, 1-based): chr6:43,629,070, G>A on the plus strand (C>T on the coding strand, the complement: GTPBP2 is on the minus strand). VCF-style: chr6-43629070-G-A. GRCh37 (hg19) VCF-style: chr6-43596807-G-A.
Identifiers: ClinVar variation 1695159 (VCV001695159.29), dbSNP rs540805836, ClinGen allele CA138315137.